The following is an entry in ClinVar:

ClinVar aggregate classification (germline): Conflicting classifications of pathogenicity. Review status: criteria provided, conflicting classifications (1 of 4 stars). 6 submissions from 6 submitters: Uncertain significance (4); Likely benign (2). Last evaluated 2025-11-17.

Conditions:
Inborn genetic diseases. Identifiers: MedGen C0950123, MeSH D030342.
Microcephaly, seizures, and developmental delay. Identifiers: Orphanet 1934, MedGen C3150667, MONDO:0013254, OMIM 613402.
Developmental and epileptic encephalopathy, 12 (DEE12). Identifiers: MedGen C3150988, MONDO:0013389, OMIM 613722.

Allele frequency attached by ClinVar (database versions not stated): ExAC 0.00008; gnomAD exomes 0.00008; gnomAD 0.00013; TOPMed 0.00014; 1000 Genomes Project 30x 0.00016; 1000 Genomes Project 0.00020.

Submissions (6):

Ambry Genetics
Classification: Likely benign for Inborn genetic diseases. Last evaluated: 2025-11-17. Review status: criteria provided, single submitter. Criteria: Ambry Variant Classification Scheme 2023. Collection method: clinical testing. Allele origin: germline.

GeneDx
Classification: Uncertain significance. Last evaluated: 2025-09-09. Review status: criteria provided, single submitter. Criteria: GeneDx Variant Classification Process June 2021. Collection method: clinical testing. Allele origin: germline. Affected: yes.
Comment: Not observed at significant frequency in large population cohorts (gnomAD); In silico analysis suggests that this missense variant does not alter protein structure/function; Has not been previously published as pathogenic or benign to our knowledge; This variant is associated with the following publications: (PMID: 22508754)

Labcorp Genetics (formerly Invitae), Labcorp
Classification: Uncertain significance for Developmental and epileptic encephalopathy, 12. Last evaluated: 2025-08-15. Review status: criteria provided, single submitter. Criteria: Invitae Variant Classification Sherloc (09022015). Collection method: clinical testing. Allele origin: germline.
Comment: This sequence change replaces proline, which is neutral and non-polar, with serine, which is neutral and polar, at codon 7 of the PNKP protein (p.Pro7Ser). This variant is present in population databases (rs201221600, gnomAD 0.01%). This variant has not been reported in the literature in individuals affected with PNKP-related conditions. ClinVar contains an entry for this variant (Variation ID: 206421). An algorithm developed to predict the effect of missense changes on protein structure and function (PolyPhen-2) suggests that this variant is likely to be tolerated. In summary, the available evidence is currently insufficient to determine the role of this variant in disease. Therefore, it has been classified as a Variant of Uncertain Significance.

CeGaT Center for Human Genetics Tuebingen
Classification: Likely benign. Last evaluated: 2025-03-01. Review status: criteria provided, single submitter. Criteria: CeGaT Center For Human Genetics Tuebingen Variant Classification Criteria Version 2. Collection method: clinical testing. Allele origin: germline. Affected: yes. Observed: 1 variant allele.
Comment: PNKP: BP4

Illumina Laboratory Services, Illumina
Classification: Uncertain significance for Microcephaly, seizures, and developmental delay. Last evaluated: 2018-01-13. Review status: criteria provided, single submitter. Criteria: ICSL Variant Classification Criteria 13 December 2019. Collection method: clinical testing. Allele origin: germline.

Genetic Services Laboratory, University of Chicago
Classification: Uncertain significance. Last evaluated: 2014-12-05. Review status: criteria provided, single submitter. Criteria: ACMG Guidelines, 2015. Collection method: clinical testing. Allele origin: germline.

NM_007254.4(PNKP):c.19C>T (p.Pro7Ser)

Gene: PNKP (polynucleotide kinase 3'-phosphatase; minus strand). Cytogenetic location: 19q13.33.
Variant type: single nucleotide variant.
Coding change: c.19C>T on transcript NM_007254.4 (MANE Select); coding-DNA position 19, C replaced by T.
Protein change: p.Pro7Ser; replaces proline 7 with serine.
Molecular consequence: missense variant.
Genome position (GRCh38, 1-based): chr19:49,867,186, G>A on the plus strand (C>T on the coding strand, the complement: PNKP is on the minus strand). VCF-style: chr19-49867186-G-A. GRCh37 (hg19) VCF-style: chr19-50370443-G-A.
Other names: p.P7S:CCG>TCG; short protein forms P7S.
Identifiers: ClinVar variation 206421 (VCV000206421.32), dbSNP rs201221600, ClinGen allele CA316519.
Genomic context (GRCh38, chr19:49,867,186, plus strand): 5'-CCGAGGGCAGGAAGATGGGGGGCGCTCCCCCAGGGGGGCTCTCGAGCCACAAGCGGCCCG[G>A]GGCCTCCACCTCGCCCATCCTGGGTGCCGGCCTGGGGAGCAGGTAAACGGGCTTGAGCGG-3'
Protein context (NP_009185.2, residues 1-17): MGEVEA[Pro7Ser]GRLWLESPPG